The following is an entry in ClinVar:

NM_022552.5(DNMT3A):c.2688A>G (p.Pro896=)

Gene: DNMT3A (DNA methyltransferase 3 alpha; minus strand). Cytogenetic location: 2p23.3.
Variant type: single nucleotide variant.
Coding change: c.2688A>G on transcript NM_022552.5 (MANE Select); coding-DNA position 2688, A replaced by G.
Protein change: p.Pro896=; no amino-acid change (proline 896 retained).
Molecular consequence: synonymous variant. On other transcripts: non-coding transcript variant (1).
Genome position (GRCh38, 1-based): chr2:25,234,330, T>C on the plus strand (A>G on the coding strand, the complement: DNMT3A is on the minus strand). VCF-style: chr2-25234330-T-C. GRCh37 (hg19) VCF-style: chr2-25457199-T-C.
Other names: c.2688A>G, p.Pro896= (NM_175629.2); c.2688A>G (NM_022552.3); c.2232A>G, p.Pro744= (NM_001320893.1); c.2019A>G, p.Pro673= (NM_001375819.1); c.2121A>G, p.Pro707= (NM_153759.3).
Identifiers: ClinVar variation 541937 (VCV000541937.25), dbSNP rs181757577, ClinGen allele CA1555473.

ClinVar aggregate classification (germline): Benign/Likely benign. Review status: criteria provided, multiple submitters, no conflicts (2 of 4 stars). 7 submissions from 7 submitters: Benign (1); Likely benign (5). 1 of the submissions does not count toward it. Last evaluated 2026-09-01.

Conditions:
Tatton-Brown-Rahman overgrowth syndrome. Also called: Tall stature-intellectual disability-facial dysmorphism syndrome; Tatton-Brown-Rahman syndrome. Identifiers: Orphanet 404443, MedGen C4014545, MONDO:0014382, OMIM 615879.
DNMT3A-related disorder. Also called: DNMT3A-related disorders; DNMT3A-related condition.
Inborn genetic diseases. Identifiers: MedGen C0950123, MeSH D030342.

Allele frequency attached by ClinVar (database versions not stated): gnomAD exomes 0.00046 and 0.00171; ExAC 0.00105; gnomAD 0.00123 and 0.00143; TOPMed 0.00151; 1000 Genomes Project 0.00579; 1000 Genomes Project 30x 0.00671.
gnomAD v4.1: 883 of 1,614,148 alleles (0.055%); highest among the groups gnomAD compares: Admixed American, 1.4%; 10 homozygotes.

Submissions (7):

CeGaT Center for Human Genetics Tuebingen
Classification: Likely benign. Last evaluated: 2026-09-01. Review status: criteria provided, single submitter. Criteria: CeGaT Center For Human Genetics Tuebingen Variant Classification Criteria Version 2. Collection method: clinical testing. Allele origin: germline. Affected: yes. Observed: 18 variant alleles.
Comment: DNMT3A: BP4, BP7, BS1

Labcorp Genetics (formerly Invitae), Labcorp
Classification: Benign for Tatton-Brown-Rahman overgrowth syndrome. Last evaluated: 2026-01-29. Review status: criteria provided, single submitter. Criteria: Invitae Variant Classification Sherloc (09022015). Collection method: clinical testing. Allele origin: germline.

Blueprint Genetics
Classification: Likely benign. Last evaluated: 2024-11-04. Review status: criteria provided, single submitter. Criteria: ACMG Guidelines, 2015. Collection method: clinical testing. Allele origin: germline.

Ambry Genetics
Classification: Likely benign for Inborn genetic diseases. Last evaluated: 2024-10-04. Review status: criteria provided, single submitter. Criteria: Ambry Variant Classification Scheme 2023. Collection method: clinical testing. Allele origin: germline.

GeneDx
Classification: Likely benign. Last evaluated: 2020-10-22. Review status: criteria provided, single submitter. Criteria: GeneDx Variant Classification Process June 2021. Collection method: clinical testing. Allele origin: germline. Affected: yes.

Breakthrough Genomics
Classification: Likely benign. Review status: criteria provided, single submitter. Criteria: ACMG Guidelines, 2015. Collection method: not provided. Allele origin: germline. Inheritance: Autosomal dominant inheritance. Affected: yes.

PreventionGenetics, part of Exact Sciences
Classification: Benign for DNMT3A-related condition. Last evaluated: 2021-09-01. Review status: no assertion criteria provided. Collection method: clinical testing. Allele origin: germline. Not counted in ClinVar's aggregate classification.
Comment: This variant is classified as benign based on ACMG/AMP sequence variant interpretation guidelines (Richards et al. 2015 PMID: 25741868, with internal and published modifications).